The following is an entry in ClinVar:

ClinVar aggregate classification (germline): Benign. Review status: criteria provided, multiple submitters, no conflicts (2 of 4 stars). 3 submissions from 3 submitters: Benign (2). 1 of the submissions does not count toward it. Last evaluated 2024-06-28.

Conditions:
CDKL5 disorder. Identifiers: MedGen CN296942, MONDO:0100039.

Allele frequency attached by ClinVar (database versions not stated): TOPMed 0.00244; 1000 Genomes Project 0.00053; gnomAD 0.00223 and 0.00214; 1000 Genomes Project 30x 0.00208.

Submissions (3):

Centre for Population Genomics, CPG
Classification: Benign for CDKL5 disorder. Last evaluated: 2024-06-28. Review status: criteria provided, single submitter. Criteria: McKnight et al. (Hum Mutat. 2022). Collection method: curation. Allele origin: germline. Inheritance: X-linked inheritance.
Comment: This variant has been collected from RettBASE and curated to current modified ACMG/AMP criteria. Based on the classification scheme defined by the ClinGen Rett/Angelman-like Expert Panel for Rett/AS-like Disorders Specifications to the ACMG/AMP Variant Interpretation Guidelines VCEP 3.0, this variant is classified as benign. At least the following criteria are met: The allele frequency of this variant in at least one population in gnomAD v3 is higher than the 0.03% threshold defined by the ClinGen Rett/Angelman-like Expert Panel for Rett/AS-like Disorders VCEP 3.0 (BA1).

Genetic Services Laboratory, University of Chicago
Classification: Benign. Last evaluated: 2013-02-08. Review status: criteria provided, single submitter. Criteria: ACMG Guidelines, 2007. Collection method: clinical testing. Allele origin: germline. Inheritance: X-linked inheritance.

RettBASE
Classification: Benign. Last evaluated: 2014-05-09. Review status: no assertion criteria provided. Collection method: curation. Allele origin: unknown. Observed: 2 variant alleles. Not counted in ClinVar's aggregate classification.
Comment: Benign variation, found in normal male controls

Literature cited by the submitters: PubMed 16015284 (cited by RettBASE).

NM_003159.2(CDKL5):c.-265C>G

Gene: CDKL5 (cyclin dependent kinase like 5; plus strand). Cytogenetic location: Xp22.13.
Variant type: single nucleotide variant.
Coding change: c.-265C>G on transcript NM_003159.2; 265 bases upstream of the start codon, C replaced by G.
Genome position (GRCh38, 1-based): chrX:18,425,593, C>G. VCF-style: chrX-18425593-C-G. GRCh37 (hg19) VCF-style: chrX-18443713-C-G.
Identifiers: ClinVar variation 158174 (VCV000158174.9), dbSNP rs587783397, ClinGen allele CA171602.